The following is an entry in ClinVar:

ClinVar aggregate classification (germline): Uncertain significance. Review status: criteria provided, multiple submitters, no conflicts (2 of 4 stars). 3 submissions from 3 submitters: Uncertain significance (3). Last evaluated 2025-10-21.

gnomAD v4.1: 38 of 1,576,662 alleles (0.0024%); highest among the groups gnomAD compares: Non-Finnish European, 0.0031%; no homozygotes.

Submissions (3):

Labcorp Genetics (formerly Invitae), Labcorp
Classification: Uncertain significance. Last evaluated: 2025-10-21. Review status: criteria provided, single submitter. Criteria: Invitae Variant Classification Sherloc (09022015). Collection method: clinical testing. Allele origin: germline.
Comment: This sequence change replaces proline, which is neutral and non-polar, with serine, which is neutral and polar, at codon 672 of the IL6ST protein (p.Pro672Ser). This variant is present in population databases (rs139764167, gnomAD 0.003%). This variant has not been reported in the literature in individuals affected with IL6ST-related conditions. ClinVar contains an entry for this variant (Variation ID: 3610675). An algorithm developed to predict the effect of missense changes on protein structure and function (PolyPhen-2) suggests that this variant is likely to be tolerated. In summary, the available evidence is currently insufficient to determine the role of this variant in disease. Therefore, it has been classified as a Variant of Uncertain Significance.

Ambry Genetics
Classification: Uncertain significance. Last evaluated: 2025-06-30. Review status: criteria provided, single submitter. Criteria: Ambry Variant Classification Scheme 2023. Collection method: clinical testing. Allele origin: germline.

Blueprint Genetics
Classification: Uncertain significance. Last evaluated: 2024-07-17. Review status: criteria provided, single submitter. Criteria: ACMG Guidelines, 2015. Collection method: clinical testing. Allele origin: germline.

NM_002184.4(IL6ST):c.2014C>T (p.Pro672Ser)

Gene: IL6ST (interleukin 6 cytokine family signal transducer; minus strand). Cytogenetic location: 5q11.2.
Variant type: single nucleotide variant.
Coding change: c.2014C>T on transcript NM_002184.4 (MANE Select); coding-DNA position 2014, C replaced by T.
Protein change: p.Pro672Ser; replaces proline 672 with serine.
Molecular consequence: missense variant. On other transcripts: 3 prime UTR variant (1), non-coding transcript variant (2).
Genome position (GRCh38, 1-based): chr5:55,942,675, G>A on the plus strand (C>T on the coding strand, the complement: IL6ST is on the minus strand). VCF-style: chr5-55942675-G-A. GRCh37 (hg19) VCF-style: chr5-55238503-G-A.
Other names: c.1831C>T, p.Pro611Ser (NM_001190981.2); c.1912C>T, p.Pro638Ser (NM_001364275.2); c.1804C>T, p.Pro602Ser (NM_001364276.2); c.1147C>T, p.Pro383Ser (NM_001364277.2); c.1111C>T, p.Pro371Ser (NM_001364278.2); c.1018C>T, p.Pro340Ser (NM_001364279.2); c.*941C>T (NM_175767.3); c.2014C>T (NM_002184.3); short protein forms P340S, P371S, P383S, P602S, P611S, P638S, P672S.
Identifiers: ClinVar variation 3610675 (VCV003610675.4).